The following is an entry in ClinVar:

NM_006892.4(DNMT3B):c.2232-6T>G

Gene: DNMT3B (DNA methyltransferase 3 beta; plus strand). Cytogenetic location: 20q11.21.
Variant type: single nucleotide variant.
Coding change: c.2232-6T>G on transcript NM_006892.4 (MANE Select); 6 bases into the intron before coding-DNA position 2232, T replaced by G.
Molecular consequence: intron variant.
Genome position (GRCh38, 1-based): chr20:32,805,332, T>G. VCF-style: chr20-32805332-T-G. GRCh37 (hg19) VCF-style: chr20-31393138-T-G.
Other names: c.2232-6T>G (NM_001424351.1); c.2232-2430T>G (NM_001424355.1); c.2172-6T>G (NM_175848.2, NM_001424353.1); c.2172-2430T>G (NM_175849.2); c.2106-6T>G (NM_001424352.1, NM_001424356.1); c.2106-2430T>G (NM_001424358.1); c.2046-6T>G (NM_001424354.1, NM_001424357.1); c.2046-2430T>G (NM_001207055.2); and 4 more.
Identifiers: ClinVar variation 4723627 (VCV004723627.1).

ClinVar aggregate classification (germline): Uncertain significance (1 of 4 stars; one submission).

Conditions:
Centromeric instability of chromosomes 1,9 and 16 and immunodeficiency (ICF1). Also called: IMMUNE DEFICIENCY, VARIABLE, WITH CENTROMERIC INSTABILITY OF CHROMOSOMES 1, 9, AND 16; IMMUNODEFICIENCY SYNDROME, VARIABLE; Immunodeficiency-centromeric instability-facial anomalies; CENTROMERIC INSTABILITY, IMMUNODEFICIENCY SYNDROME. Identifiers: Orphanet 2268, MedGen C0398788, MONDO:0000133.

Submission:

Labcorp Genetics (formerly Invitae), Labcorp
Classification: Uncertain significance for Centromeric instability of chromosomes 1,9 and 16 and immunodeficiency. Last evaluated: 2025-07-25. Review status: criteria provided, single submitter. Criteria: Invitae Variant Classification Sherloc (09022015). Collection method: clinical testing. Allele origin: germline.
Comment: This sequence change falls in intron 20 of the DNMT3B gene. It does not directly change the encoded amino acid sequence of the DNMT3B protein. This variant is not present in population databases (gnomAD no frequency). This variant has not been reported in the literature in individuals affected with DNMT3B-related conditions. Algorithms developed to predict the effect of sequence changes on RNA splicing suggest that this variant may disrupt the consensus splice site. In summary, the available evidence is currently insufficient to determine the role of this variant in disease. Therefore, it has been classified as a Variant of Uncertain Significance.